The following is an entry in ClinVar:

NM_005554.4(KRT6A):c.819T>C (p.Asp273=)

Gene: KRT6A (keratin 6A; minus strand). Cytogenetic location: 12q13.13.
Variant type: single nucleotide variant.
Coding change: c.819T>C on transcript NM_005554.4 (MANE Select); coding-DNA position 819, T replaced by C.
Protein change: p.Asp273=; no amino-acid change (aspartic acid 273 retained).
Molecular consequence: synonymous variant.
Genome position (GRCh38, 1-based): chr12:52,490,951, A>G on the plus strand (T>C on the coding strand, the complement: KRT6A is on the minus strand). VCF-style: chr12-52490951-A-G. GRCh37 (hg19) VCF-style: chr12-52884735-A-G.
Other names: c.819T>C (NM_005554.3).
Identifiers: ClinVar variation 1300086 (VCV001300086.13), dbSNP rs12578949, ClinGen allele CA6582086.

ClinVar aggregate classification (germline): Benign. Review status: criteria provided, multiple submitters, no conflicts (2 of 4 stars). 4 submissions from 4 submitters: Benign (3). 1 of the submissions does not count toward it. Last evaluated 2026-02-04.

Conditions:
Pachyonychia congenita 3 (PC3). Also called: KRT6A-Related Pachyonychia Congenita; PC-K6a. Identifiers: Orphanet 2309, MedGen C3714948, MONDO:0014324, OMIM 615726.
KRT6A-related disorder. Also called: KRT6A-related condition.

Allele frequency attached by ClinVar (database versions not stated): TOPMed 0.31189; ExAC 0.25988; gnomAD 0.29765 and 0.30252; 1000 Genomes Project 0.31989; gnomAD exomes 0.26629 and 0.23297; ESP Exome Variant Server 0.28446; 1000 Genomes Project 30x 0.32261.

Submissions (4):

Labcorp Genetics (formerly Invitae), Labcorp
Classification: Benign. Last evaluated: 2026-02-04. Review status: criteria provided, single submitter. Criteria: Invitae Variant Classification Sherloc (09022015). Collection method: clinical testing. Allele origin: germline.

Genome-Nilou Lab
Classification: Benign for Pachyonychia congenita 3. Last evaluated: 2021-08-19. Review status: criteria provided, single submitter. Criteria: ACMG Guidelines, 2015. Collection method: clinical testing. Allele origin: germline. Affected: no.

Breakthrough Genomics
Classification: Benign. Review status: criteria provided, single submitter. Criteria: ACMG Guidelines, 2015. Collection method: not provided. Allele origin: germline. Inheritance: Autosomal dominant inheritance. Affected: yes.

PreventionGenetics, part of Exact Sciences
Classification: Benign for KRT6A-related condition. Last evaluated: 2019-10-18. Review status: no assertion criteria provided. Collection method: clinical testing. Allele origin: germline. Not counted in ClinVar's aggregate classification.
Comment: This variant is classified as benign based on ACMG/AMP sequence variant interpretation guidelines (Richards et al. 2015 PMID: 25741868, with internal and published modifications).